The following is an entry in ClinVar:

ClinVar aggregate classification (germline): Uncertain significance (1 of 4 stars; one submission).

Conditions:
Cerebral arteriopathy, autosomal dominant, with subcortical infarcts and leukoencephalopathy, type 2 (CADASIL2). Identifiers: MedGen C4225211, MONDO:0014768, OMIM 616779.

Submission:

MVZ Medizinische Genetik Mainz
Classification: Uncertain significance for Cerebral arteriopathy, autosomal dominant, with subcortical infarcts and leukoencephalopathy, type 2. Last evaluated: 2024-03-05. Review status: criteria provided, single submitter. Criteria: UK Practice Guidelines For Variant Classification V4 01 2020. Collection method: clinical testing. Allele origin: germline. Inheritance: Autosomal dominant inheritance. Affected: yes. Observed: 1 variant allele.
Comment: ACMG Criteria: PP3_MOD,PM2_SUP,PP4

NM_002775.5(HTRA1):c.260T>G (p.Leu87Arg)

Gene: HTRA1 (HtrA serine peptidase 1; plus strand). Cytogenetic location: 10q26.13.
Variant type: single nucleotide variant.
Coding change: c.260T>G on transcript NM_002775.5 (MANE Select); coding-DNA position 260, T replaced by G.
Protein change: p.Leu87Arg; replaces leucine 87 with arginine.
Molecular consequence: missense variant.
Genome position (GRCh38, 1-based): chr10:122,461,912, T>G. VCF-style: chr10-122461912-T-G. GRCh37 (hg19) VCF-style: chr10-124221428-T-G.
Other names: short protein forms L87R.
Identifiers: ClinVar variation 3236343 (VCV003236343.1), dbSNP rs2497576337, ClinGen allele CA378606044.